The following is an entry in ClinVar:

NM_000465.4(BARD1):c.479A>G (p.Lys160Arg)

Gene: BARD1 (BRCA1 associated RING domain 1; minus strand). Cytogenetic location: 2q35.
Variant type: single nucleotide variant.
Coding change: c.479A>G on transcript NM_000465.4 (MANE Select); coding-DNA position 479, A replaced by G.
Protein change: p.Lys160Arg; replaces lysine 160 with arginine.
Molecular consequence: missense variant. On other transcripts: non-coding transcript variant (2), intron variant (3).
Genome position (GRCh38, 1-based): chr2:214,781,395, T>C on the plus strand (A>G on the coding strand, the complement: BARD1 is on the minus strand). VCF-style: chr2-214781395-T-C. GRCh37 (hg19) VCF-style: chr2-215646119-T-C.
Other names: c.422A>G, p.Lys141Arg (NM_001282543.2); c.158+28017A>G (NM_001282548.2); c.215+15666A>G (NM_001282545.2); c.364+10902A>G (NM_001282549.2); short protein forms K141R, K160R.
Identifiers: ClinVar variation 4532953 (VCV004532953.1).
Genomic context (GRCh38, chr2:214,781,395, plus strand): 5'-TATGAGTCTTGCTGAGCACTTGCATCTTTTTTTATTGCAGGCTGGGTTTGCACTGAAGCT[T>C]TACTCACAACATATCTGACTTTCTTACTTCGAGGGCTAAACCACATTTTAATTGAATTCT-3'
Protein context (NP_000456.2, residues 150-170): RSKKVRYVVS[Lys160Arg]ASVQTQPAIK

ClinVar aggregate classification (germline): Uncertain significance (1 of 4 stars; one submission).

Submission:

Quest Diagnostics Nichols Institute San Juan Capistrano
Classification: Uncertain significance. Last evaluated: 2025-06-17. Review status: criteria provided, single submitter. Criteria: Quest Diagnostics criteria. Collection method: clinical testing. Allele origin: unknown.
Comment: The BARD1 c.479A>G (p.Lys160Arg) variant has not been reported in individuals with BARD1-related conditions in the published literature. It also has not been reported in large, multi-ethnic general populations (Genome Aggregation Database). Analysis of this variant using bioinformatics tools for the prediction of the effect of amino acid changes on protein structure and function yielded predictions that this variant is benign. Based on the available information, we are unable to determine the clinical significance of this variant.